The following is an entry in ClinVar:

Conditions:
Breast-ovarian cancer, familial, susceptibility to, 1 (BROVCA1). Also called: BRCA1 Hereditary Breast and Ovarian Cancer; OVARIAN CANCER, SUSCEPTIBILITY TO. Identifiers: Orphanet 145, MedGen C2676676, MONDO:0011450, OMIM 604370. Disease mechanism: loss of function.

Submission:

Brotman Baty Institute, University of Washington
No classification provided (evidence only). Condition: Breast-ovarian cancer, familial 1. Review status: no classification provided. Collection method: in vitro. Allele origin: not applicable. Functional consequence: function_uncertain_variant.
ClinVar note: "not provided" was previously submitted as the classification for the variant. However, the classification appeared to be based only on an observation of functional data so it was converted to no classification on 2025-07-30.

NM_007294.4(BRCA1):c.5317A>G (p.Thr1773Ala)

Gene: BRCA1 (BRCA1 DNA repair associated; minus strand). Cytogenetic location: 17q21.31.
Variant type: single nucleotide variant.
Coding change: c.5317A>G on transcript NM_007294.4 (MANE Select); coding-DNA position 5317, A replaced by G.
Protein change: p.Thr1773Ala; replaces threonine 1773 with alanine.
Molecular consequence: missense variant. On other transcripts: non-coding transcript variant (1).
Genome position (GRCh38, 1-based): chr17:43,051,078, T>C on the plus strand (A>G on the coding strand, the complement: BRCA1 is on the minus strand). VCF-style: chr17-43051078-T-C. GRCh37 (hg19) VCF-style: chr17-41203095-T-C.
Other names: c.5314A>G, p.Thr1772Ala (NM_001407619.1, NM_001407620.1, NM_001407621.1 and 17 more transcripts); c.5311A>G, p.Thr1771Ala (NM_001407627.1, NM_001407628.1, NM_001407638.1 and 14 more transcripts); c.5176A>G, p.Thr1726Ala (NM_001407725.1, NM_001407726.1, NM_001407727.1 and 13 more transcripts); c.5173A>G, p.Thr1725Ala (NM_001407732.1, NM_001407733.1, NM_001407734.1 and 21 more transcripts); c.5308A>G, p.Thr1770Ala (NM_001407644.1, NM_001407645.1); c.5305A>G, p.Thr1769Ala (NM_001407646.1); c.5302A>G, p.Thr1768Ala (NM_001407647.1); c.5260A>G, p.Thr1754Ala (NM_001407648.1); and 72 more; short protein forms T1794A, T669A, T1726A, T1773A, T1476A, T1704A, T1729A, T1745A.
Identifiers: ClinVar variation 865590 (VCV000865590.3), dbSNP rs80357324, ClinGen allele CA10590916.
Genomic context (GRCh38, chr17:43,051,078, plus strand): 5'-GACAAAGGCTGGTGCTGGAACTCTGGGGTTCTCCCAGGCTCTTACCTGTGGGCATGTTGG[T>C]GAAGGGCCCATAGCAACAGATTTCTAGCCCCCTGAAGATCTGGAAGAAGAGAGGAAGAGA-3'
Protein context (NP_009225.1, residues 1763-1783): GLEICCYGPF[Thr1773Ala]NMPTDQLEWM